The following is an entry in ClinVar:

ClinVar aggregate classification (germline): Uncertain significance (1 of 4 stars; one submission).

Allele frequency attached by ClinVar (database versions not stated): gnomAD exomes below 0.00001.
gnomAD v4.1: 1 of 1,593,212 alleles (0.000063%); highest among the groups gnomAD compares: Non-Finnish European, 0.000086%; no homozygotes.

Submission:

Labcorp Genetics (formerly Invitae), Labcorp
Classification: Uncertain significance. Last evaluated: 2022-09-28. Review status: criteria provided, single submitter. Criteria: Invitae Variant Classification Sherloc (09022015). Collection method: clinical testing. Allele origin: germline.
Comment: In summary, the available evidence is currently insufficient to determine the role of this variant in disease. Therefore, it has been classified as a Variant of Uncertain Significance. This sequence change replaces aspartic acid, which is acidic and polar, with glycine, which is neutral and non-polar, at codon 1033 of the EIF2AK3 protein (p.Asp1033Gly). This variant is not present in population databases (gnomAD no frequency). This variant has not been reported in the literature in individuals affected with EIF2AK3-related conditions. Algorithms developed to predict the effect of missense changes on protein structure and function (SIFT, PolyPhen-2, Align-GVGD) all suggest that this variant is likely to be tolerated.

NM_004836.7(EIF2AK3):c.3098A>G (p.Asp1033Gly)

Genes: EIF2AK3 (eukaryotic translation initiation factor 2 alpha kinase 3; minus strand), EIF2AK3-AS1 (EIF2AK3 antisense RNA 1; plus strand). Cytogenetic location: 2p11.2.
Variant type: single nucleotide variant.
Coding change: c.3098A>G on transcript NM_004836.7 (MANE Select); coding-DNA position 3098, A replaced by G.
Protein change: p.Asp1033Gly; replaces aspartic acid 1033 with glycine.
Molecular consequence: missense variant.
Genome position (GRCh38, 1-based): chr2:88,558,969, T>C on the plus strand (A>G on the coding strand, the complement: EIF2AK3 is on the minus strand). VCF-style: chr2-88558969-T-C. GRCh37 (hg19) VCF-style: chr2-88858487-T-C.
Other names: c.2645A>G, p.Asp882Gly (NM_001313915.2); short protein forms D1033G, D882G.
Identifiers: ClinVar variation 1720572 (VCV001720572.5), dbSNP rs2529089991, ClinGen allele CA347584424.
Genomic context (GRCh38, chr2:88,558,969, plus strand): 5'-ACACATACCTCACAAGGATATTTCTGAGTAAATAATGGTGGAAATTTGAGATTTCTTACA[T>C]CAGTTAAGGTCTAAAAAGAAAAAAAGTATCACTTATTAAGTTTATTTTGACATACAACAT-3'
Protein context (NP_004827.4, residues 1023-1043): TQMERVRTLT[Asp1033Gly]VRNLKFPPLF